The following is an entry in ClinVar:

NM_020754.4(ARHGAP31):c.3056C>T (p.Pro1019Leu)

Gene: ARHGAP31 (Rho GTPase activating protein 31; plus strand). Cytogenetic location: 3q13.33.
Variant type: single nucleotide variant.
Coding change: c.3056C>T on transcript NM_020754.4 (MANE Select); coding-DNA position 3056, C replaced by T.
Protein change: p.Pro1019Leu; replaces proline 1019 with leucine.
Molecular consequence: missense variant.
Genome position (GRCh38, 1-based): chr3:119,414,985, C>T. VCF-style: chr3-119414985-C-T. GRCh37 (hg19) VCF-style: chr3-119133832-C-T.
Other names: short protein forms P1019L.
Identifiers: ClinVar variation 2128015 (VCV002128015.4), dbSNP rs2472877271, ClinGen allele CA354054516.

ClinVar aggregate classification (germline): Uncertain significance (1 of 4 stars; one submission).

Submission:

Labcorp Genetics (formerly Invitae), Labcorp
Classification: Uncertain significance. Last evaluated: 2022-04-19. Review status: criteria provided, single submitter. Criteria: Invitae Variant Classification Sherloc (09022015). Collection method: clinical testing. Allele origin: germline.
Comment: This variant has not been reported in the literature in individuals affected with ARHGAP31-related conditions. This sequence change replaces proline, which is neutral and non-polar, with leucine, which is neutral and non-polar, at codon 1019 of the ARHGAP31 protein (p.Pro1019Leu). This variant is not present in population databases (gnomAD no frequency). Algorithms developed to predict the effect of missense changes on protein structure and function output the following: SIFT: "Tolerated"; PolyPhen-2: "Benign"; Align-GVGD: "Class C0". The leucine amino acid residue is found in multiple mammalian species, which suggests that this missense change does not adversely affect protein function. In summary, the available evidence is currently insufficient to determine the role of this variant in disease. Therefore, it has been classified as a Variant of Uncertain Significance.